The following is an entry in ClinVar:

ClinVar aggregate classification (germline): Uncertain significance (1 of 4 stars; one submission).

Submission:

Ambry Genetics
Classification: Uncertain significance. Last evaluated: 2023-12-23. Review status: criteria provided, single submitter. Criteria: Ambry Variant Classification Scheme 2023. Collection method: clinical testing. Allele origin: germline.
Comment: The p.I175R variant (also known as c.524T>G), located in coding exon 1 of the MLH3 gene, results from a T to G substitution at nucleotide position 524. The isoleucine at codon 175 is replaced by arginine, an amino acid with similar properties. This amino acid position is conserved. In addition, this alteration is predicted to be deleterious by in silico analysis. Since supporting evidence is limited at this time, the clinical significance of this alteration remains unclear.

NM_001040108.2(MLH3):c.524T>G (p.Ile175Arg)

Gene: MLH3 (mutL homolog 3; minus strand). Cytogenetic location: 14q24.3.
Variant type: single nucleotide variant.
Coding change: c.524T>G on transcript NM_001040108.2 (MANE Select); coding-DNA position 524, T replaced by G.
Protein change: p.Ile175Arg; replaces isoleucine 175 with arginine.
Molecular consequence: missense variant.
Genome position (GRCh38, 1-based): chr14:75,049,132, A>C on the plus strand (T>G on the coding strand, the complement: MLH3 is on the minus strand). VCF-style: chr14-75049132-A-C. GRCh37 (hg19) VCF-style: chr14-75515835-A-C.
Other names: c.524T>G, p.Ile175Arg (NM_014381.3); short protein forms I175R.
Identifiers: ClinVar variation 1746357 (VCV001746357.2), dbSNP rs1892484159, ClinGen allele CA390449970.
Genomic context (GRCh38, chr14:75,049,132, plus strand): 5'-CCAGAAACATCATTTCTCAAAGAGAAAGAAATGGAAGGGTGCATGAGTGAGAGAGCTTCT[A>C]TTCTCTGCCTAACCTTCTCAAACTCCAGTCTAGGGTCCATGCATTTCCTCCTTACAGGAA-3'
Protein context (NP_001035197.1, residues 165-185): RLEFEKVRQR[Ile175Arg]EALSLMHPSI